The following is an entry in ClinVar:

NM_001692.4(ATP6V1B1):c.1378+6G>A

Gene: ATP6V1B1 (ATPase H+ transporting V1 subunit B1; plus strand). Cytogenetic location: 2p13.3.
Variant type: single nucleotide variant.
Coding change: c.1378+6G>A on transcript NM_001692.4 (MANE Select); 6 bases into the intron after coding-DNA position 1378, G replaced by A.
Molecular consequence: intron variant.
Genome position (GRCh38, 1-based): chr2:70,964,871, G>A. VCF-style: chr2-70964871-G-A. GRCh37 (hg19) VCF-style: chr2-71192001-G-A.
Identifiers: ClinVar variation 958323 (VCV000958323.7), dbSNP rs1680683226, ClinGen allele CA1139657090.

ClinVar aggregate classification (germline): Uncertain significance (1 of 4 stars; one submission).

gnomAD v4.1: 1 of 1,614,044 alleles (0.000062%); no homozygotes.

Submission:

Labcorp Genetics (formerly Invitae), Labcorp
Classification: Uncertain significance. Last evaluated: 2021-09-01. Review status: criteria provided, single submitter. Criteria: Invitae Variant Classification Sherloc (09022015). Collection method: clinical testing. Allele origin: germline.
Comment: This sequence change falls in intron 13 of the ATP6V1B1 gene. It does not directly change the encoded amino acid sequence of the ATP6V1B1 protein. It affects a nucleotide within the consensus splice site of the intron. This variant is not present in population databases (ExAC no frequency). This variant has not been reported in the literature in individuals affected with ATP6V1B1-related conditions. Variants that disrupt the consensus splice site are a relatively common cause of aberrant splicing (PMID: 17576681, 9536098). Algorithms developed to predict the effect of sequence changes on RNA splicing suggest that this variant is not likely to affect RNA splicing. In summary, the available evidence is currently insufficient to determine the role of this variant in disease. Therefore, it has been classified as a Variant of Uncertain Significance.

Literature cited by the submitters: PubMed 17576681; PubMed 9536098.